The following is an entry in ClinVar:

NM_033337.3(CAV3):c.407T>C (p.Leu136Pro)

Genes: CAV3 (caveolin 3; plus strand), OXTR (oxytocin receptor; minus strand). Cytogenetic location: 3p25.3.
Variant type: single nucleotide variant.
Coding change: c.407T>C on transcript NM_033337.3 (MANE Select); coding-DNA position 407, T replaced by C.
Protein change: p.Leu136Pro; replaces leucine 136 with proline.
Molecular consequence: missense variant.
Genome position (GRCh38, 1-based): chr3:8,745,818, T>C. VCF-style: chr3-8745818-T-C. GRCh37 (hg19) VCF-style: chr3-8787504-T-C.
Other names: c.407T>C, p.Leu136Pro (NM_001234.5); short protein forms L136P.
Identifiers: ClinVar variation 3683619 (VCV003683619.2).

ClinVar aggregate classification (germline): Uncertain significance (1 of 4 stars; one submission).

Conditions:
Long QT syndrome (LQTS). Identifiers: MedGen C0023976, MeSH D008133, MONDO:0002442. Disease mechanism: loss of function. Inheritance: Various modes of inheritance.

Submission:

Labcorp Genetics (formerly Invitae), Labcorp
Classification: Uncertain significance for Long QT syndrome. Last evaluated: 2024-02-06. Review status: criteria provided, single submitter. Criteria: Invitae Variant Classification Sherloc (09022015). Collection method: clinical testing. Allele origin: germline.
Comment: This sequence change replaces leucine, which is neutral and non-polar, with proline, which is neutral and non-polar, at codon 136 of the CAV3 protein (p.Leu136Pro). This variant is not present in population databases (gnomAD no frequency). This variant has not been reported in the literature in individuals affected with CAV3-related conditions. An algorithm developed to predict the effect of missense changes on protein structure and function (PolyPhen-2) suggests that this variant is likely to be disruptive. In summary, the available evidence is currently insufficient to determine the role of this variant in disease. Therefore, it has been classified as a Variant of Uncertain Significance.